The following is an entry in ClinVar:

NM_001114748.2(TMEM240):c.12C>A (p.Ser4Arg)

Gene: TMEM240 (transmembrane protein 240; minus strand). Cytogenetic location: 1p36.33.
Variant type: single nucleotide variant.
Coding change: c.12C>A on transcript NM_001114748.2 (MANE Select); coding-DNA position 12, C replaced by A.
Protein change: p.Ser4Arg; replaces serine 4 with arginine.
Molecular consequence: missense variant.
Genome position (GRCh38, 1-based): chr1:1,540,335, G>T on the plus strand (C>A on the coding strand, the complement: TMEM240 is on the minus strand). VCF-style: chr1-1540335-G-T. GRCh37 (hg19) VCF-style: chr1-1475715-G-T.
Other names: short protein forms S4R.
Identifiers: ClinVar variation 2366607 (VCV002366607.3), dbSNP rs1054171549, ClinGen allele CA16802795.
Genomic context (GRCh38, chr1:1,540,335, plus strand): 5'-AGCCCCTCCGCTCACCATCACGACCGACGCCCCCAGAATCATGAAGATCATGGTGTTCGC[G>T]CTCATGGACATCGGGCGGGGCCGGGCCGGGCCGGAGCGCCGCCCCCCGGCCCCGGCGCCC-3'
Protein context (NP_001108220.1, residues 1-14): MSM[Ser4Arg]ANTMIFMILG

ClinVar aggregate classification (germline): Uncertain significance (1 of 4 stars; one submission).

Conditions:
Inborn genetic diseases. Identifiers: MedGen C0950123, MeSH D030342.

gnomAD v4.1: 16 of 1,274,732 alleles (0.0013%); highest among the groups gnomAD compares: Non-Finnish European, 0.0016%; no homozygotes.

Submission:

Ambry Genetics
Classification: Uncertain significance for Inborn genetic diseases. Last evaluated: 2026-07-20. Review status: criteria provided, single submitter. Criteria: Ambry Variant Classification Scheme 2023. Collection method: clinical testing. Allele origin: germline.
Comment: The c.12C>A (p.S4R) alteration is located in exon 1 (coding exon 1) of the TMEM240 gene. This alteration results from a C to A substitution at nucleotide position 12, causing the serine (S) at amino acid position 4 to be replaced by an arginine (R). Based on data from gnomAD, the A allele has an overall frequency of 0.002% (1/45240) total alleles studied. The highest observed frequency was 0.007% (1/14782) of European (non-Finnish) alleles. Based on insufficient or conflicting evidence, the clinical significance of this alteration remains unclear.